The following is an entry in ClinVar:

NM_004114.5(FGF13):c.279A>G (p.Lys93=)

Gene: FGF13 (fibroblast growth factor 13; minus strand). Cytogenetic location: Xq26.3.
Variant type: single nucleotide variant.
Coding change: c.279A>G on transcript NM_004114.5 (MANE Select); coding-DNA position 279, A replaced by G.
Protein change: p.Lys93=; no amino-acid change (lysine 93 retained).
Molecular consequence: synonymous variant.
Genome position (GRCh38, 1-based): chrX:138,708,837, T>C on the plus strand (A>G on the coding strand, the complement: FGF13 is on the minus strand). VCF-style: chrX-138708837-T-C. GRCh37 (hg19) VCF-style: chrX-137790999-T-C.
Other names: c.141A>G, p.Lys47= (NM_001139498.2); c.309A>G, p.Lys103= (NM_001139500.2); c.222A>G, p.Lys74= (NM_001139501.2, NM_001139502.2); c.120A>G, p.Lys40= (NM_033642.3).
Identifiers: ClinVar variation 3352576 (VCV003352576.1).

ClinVar aggregate classification (germline): Likely benign (0 of 4 stars; one submission).

Conditions:
FGF13-related disorder. Also called: FGF13-related condition.

gnomAD v4.1: 548 of 1,204,922 alleles (0.045%); highest among the groups gnomAD compares: Non-Finnish European, 0.059%; no homozygotes.

Submission:

PreventionGenetics, part of Exact Sciences
Classification: Likely benign for FGF13-related condition. Last evaluated: 2024-08-15. Review status: no assertion criteria provided. Collection method: clinical testing. Allele origin: germline.
Comment: This variant is classified as likely benign based on ACMG/AMP sequence variant interpretation guidelines (Richards et al. 2015 PMID: 25741868, with internal and published modifications).